The following is an entry in ClinVar:

ClinVar aggregate classification (germline): Uncertain significance (1 of 4 stars; one submission).

gnomAD v4.1: 2 of 1,613,072 alleles (0.00012%); highest among the groups gnomAD compares: African/African-American, 0.0013%; no homozygotes.

Submission:

Labcorp Genetics (formerly Invitae), Labcorp
Classification: Uncertain significance. Last evaluated: 2025-02-20. Review status: criteria provided, single submitter. Criteria: Invitae Variant Classification Sherloc (09022015). Collection method: clinical testing. Allele origin: germline.
Comment: This sequence change replaces isoleucine, which is neutral and non-polar, with valine, which is neutral and non-polar, at codon 1367 of the NLRP1 protein (p.Ile1367Val). This variant is not present in population databases (gnomAD no frequency). This variant has not been reported in the literature in individuals affected with NLRP1-related conditions. An algorithm developed to predict the effect of missense changes on protein structure and function outputs the following: PolyPhen-2: "Benign". The valine amino acid residue is found in multiple mammalian species, which suggests that this missense change does not adversely affect protein function. In summary, the available evidence is currently insufficient to determine the role of this variant in disease. Therefore, it has been classified as a Variant of Uncertain Significance.

NM_033004.4(NLRP1):c.4099A>G (p.Ile1367Val)

Gene: NLRP1 (NLR family pyrin domain containing 1; minus strand). Cytogenetic location: 17p13.2.
Variant type: single nucleotide variant.
Coding change: c.4099A>G on transcript NM_033004.4 (MANE Select); coding-DNA position 4099, A replaced by G.
Protein change: p.Ile1367Val; replaces isoleucine 1367 with valine.
Molecular consequence: missense variant. On other transcripts: intron variant (1).
Genome position (GRCh38, 1-based): chr17:5,515,476, T>C on the plus strand (A>G on the coding strand, the complement: NLRP1 is on the minus strand). VCF-style: chr17-5515476-T-C. GRCh37 (hg19) VCF-style: chr17-5418796-T-C.
Other names: c.3967A>G, p.Ile1323Val (NM_014922.5); c.4009A>G, p.Ile1337Val (NM_033006.4); c.3877A>G, p.Ile1293Val (NM_033007.4); c.4069+2270A>G (NM_001033053.3); short protein forms I1293V, I1323V, I1337V, I1367V.
Identifiers: ClinVar variation 4807558 (VCV004807558.1).
Genomic context (GRCh38, chr17:5,515,476, plus strand): 5'-CAGACAGTACCCCAGAACTGCCACCGCCTCCTGTGGTCTCTGAGAGCTGTTACTGACCTA[T>C]GCGGGCTGGAGGGATCAGAGTAGTTGCAGGCATGAGATCTCCTGGAGGAAAACAGAGATG-3'
Protein context (NP_127497.1, residues 1357-1377): PATTLIPPAR[Ile1367Val]AVPSPLDAPQ